The following is an entry in ClinVar:

ClinVar aggregate classification (germline): Uncertain significance. Review status: criteria provided, multiple submitters, no conflicts (2 of 4 stars). 2 submissions from 2 submitters: Uncertain significance (2). Last evaluated 2022-08-04.

Conditions:
Hyperaldosteronism, familial, type IV (HALD4). Also called: FH IV; ALDOSTERONISM, PRIMARY, AND HYPERTENSION. Identifiers: Orphanet 642671, MedGen C4310756, MONDO:0014875, OMIM 617027.
Idiopathic generalized epilepsy. Also called: EIG; Generalised epilepsy. Identifiers: MedGen C0270850, MONDO:0005579, OMIM 600669.

gnomAD v4.1: 1 of 1,584,678 alleles (0.000063%); highest among the groups gnomAD compares: South Asian, 0.0012%; no homozygotes.

Submissions (2):

Labcorp Genetics (formerly Invitae), Labcorp
Classification: Uncertain significance for Idiopathic generalized epilepsy; Hyperaldosteronism, familial, type IV. Last evaluated: 2022-08-04. Review status: criteria provided, single submitter. Criteria: Invitae Variant Classification Sherloc (09022015). Collection method: clinical testing. Allele origin: germline.
Comment: Algorithms developed to predict the effect of missense changes on protein structure and function are either unavailable or do not agree on the potential impact of this missense change (SIFT: "Deleterious"; PolyPhen-2: "Probably Damaging"; Align-GVGD: "Class C0"). This variant has not been reported in the literature in individuals affected with CACNA1H-related conditions. This variant is not present in population databases (gnomAD no frequency). This sequence change replaces proline, which is neutral and non-polar, with threonine, which is neutral and polar, at codon 614 of the CACNA1H protein (p.Pro614Thr). In summary, the available evidence is currently insufficient to determine the role of this variant in disease. Therefore, it has been classified as a Variant of Uncertain Significance.

GeneDx
Classification: Uncertain significance. Last evaluated: 2022-05-25. Review status: criteria provided, single submitter. Criteria: GeneDx Variant Classification Process June 2021. Collection method: clinical testing. Allele origin: germline. Affected: yes.
Comment: Has not been previously published as pathogenic or benign to our knowledge; Not observed at significant frequency in large population cohorts (gnomAD); In silico analysis supports that this missense variant has a deleterious effect on protein structure/function

NM_021098.3(CACNA1H):c.1840C>A (p.Pro614Thr)

Gene: CACNA1H (calcium voltage-gated channel subunit alpha1 H; plus strand). Cytogenetic location: 16p13.3.
Variant type: single nucleotide variant.
Coding change: c.1840C>A on transcript NM_021098.3 (MANE Select); coding-DNA position 1840, C replaced by A.
Protein change: p.Pro614Thr; replaces proline 614 with threonine.
Molecular consequence: missense variant.
Genome position (GRCh38, 1-based): chr16:1,202,290, C>A. VCF-style: chr16-1202290-C-A. GRCh37 (hg19) VCF-style: chr16-1252290-C-A.
Other names: c.1840C>A, p.Pro614Thr (NM_001005407.2); short protein forms P614T.
Identifiers: ClinVar variation 1801169 (VCV001801169.6), dbSNP rs1485310282, ClinGen allele CA394162636.